The following is an entry in ClinVar:

NM_004994.3(MMP9):c.1508C>G (p.Thr503Arg)

Gene: MMP9 (matrix metallopeptidase 9; plus strand). Cytogenetic location: 20q13.12.
Variant type: single nucleotide variant.
Coding change: c.1508C>G on transcript NM_004994.3 (MANE Select); coding-DNA position 1508, C replaced by G.
Protein change: p.Thr503Arg; replaces threonine 503 with arginine.
Molecular consequence: missense variant.
Genome position (GRCh38, 1-based): chr20:46,013,432, C>G. VCF-style: chr20-46013432-C-G. GRCh37 (hg19) VCF-style: chr20-44642071-C-G.
Other names: short protein forms T503R.
Identifiers: ClinVar variation 1053544 (VCV001053544.9), dbSNP rs749041567, ClinGen allele CA315636229.

ClinVar aggregate classification (germline): Uncertain significance (1 of 4 stars; one submission).

Allele frequency attached by ClinVar (database versions not stated): gnomAD 0.00001; gnomAD exomes 0.00001; TOPMed 0.00001.
gnomAD v4.1: 21 of 1,613,626 alleles (0.0013%); highest among the groups gnomAD compares: Non-Finnish European, 0.0017%; no homozygotes.

Submission:

Labcorp Genetics (formerly Invitae), Labcorp
Classification: Uncertain significance. Last evaluated: 2020-07-31. Review status: criteria provided, single submitter. Criteria: Invitae Variant Classification Sherloc (09022015). Collection method: clinical testing. Allele origin: germline.
Comment: This sequence change replaces threonine with arginine at codon 503 of the MMP9 protein (p.Thr503Arg). The threonine residue is moderately conserved and there is a moderate physicochemical difference between threonine and arginine. This variant is not present in population databases (ExAC no frequency). In summary, the available evidence is currently insufficient to determine the role of this variant in disease. Therefore, it has been classified as a Variant of Uncertain Significance. Algorithms developed to predict the effect of sequence changes on RNA splicing suggest that this variant may create or strengthen a splice site, but this prediction has not been confirmed by published transcriptional studies. Algorithms developed to predict the effect of missense changes on protein structure and function (SIFT, PolyPhen-2, Align-GVGD) all suggest that this variant is likely to be tolerated, but these predictions have not been confirmed by published functional studies and their clinical significance is uncertain. This variant has not been reported in the literature in individuals with MMP9-related conditions.